The following is an entry in ClinVar:

NM_001330078.2(NRXN1):c.873C>A (p.Tyr291Ter)

Gene: NRXN1 (neurexin 1; minus strand). Cytogenetic location: 2p16.3.
Variant type: single nucleotide variant.
Coding change: c.873C>A on transcript NM_001330078.2 (MANE Select); coding-DNA position 873, C replaced by A.
Protein change: p.Tyr291Ter; replaces tyrosine 291 with a stop codon.
Molecular consequence: nonsense.
Genome position (GRCh38, 1-based): chr2:50,623,575, G>T on the plus strand (C>A on the coding strand, the complement: NRXN1 is on the minus strand). VCF-style: chr2-50623575-G-T. GRCh37 (hg19) VCF-style: chr2-50850713-G-T.
Other names: c.972C>A, p.Tyr324Ter (NM_001135659.3); c.873C>A, p.Tyr291Ter (NM_001330077.2, NM_001330082.2, NM_001330085.2 and 3 more transcripts); c.813C>A, p.Tyr271Ter (NM_001330083.2, NM_001330084.2, NM_001330087.2 and 1 more transcripts); c.843C>A, p.Tyr281Ter (NM_001330088.2); c.870C>A, p.Tyr290Ter (NM_001330093.2); c.861C>A, p.Tyr287Ter (NM_001330094.2); short protein forms Y281*, Y287*, Y271*, Y290*, Y291*, Y324*.
Identifiers: ClinVar variation 4891557 (VCV004891557.1).
Genomic context (GRCh38, chr2:50,623,575, plus strand): 5'-TGACAGAGTTATTTCATCACTGCTGCTTTGAATGGGGTTTTGAGACAAGTCGTAGCAGAA[G>T]TATTCAGATCCTTTGAACGTGGCAATATATTCTTCTTTTCCTAGAGGAAAACAGATGATA-3'

ClinVar aggregate classification (germline): Pathogenic (1 of 4 stars; one submission).

Conditions:
Complex neurodevelopmental disorder. Identifiers: Orphanet 528084, MedGen C5568766, MONDO:0100038.

Submission:

The Genetics Institute, Rambam Health Care Campus
Classification: Pathogenic for Complex neurodevelopmental disorder. Last evaluated: 2026-07-16. Review status: criteria provided, single submitter. Criteria: ACMG Guidelines, 2015. Collection method: clinical testing. Allele origin: de novo. Inheritance: Autosomal dominant inheritance. Affected: yes.
Comment: [PVS1, PM2_s, PS2_s], NM_001330078.2(NRXN1):c.873C>A | p.(Tyr291*) is a variant results in a premature stop codon in exon 6 of 23, that is expressed in all the alterative versions of the alpha isoform PMID: 38610832. The resulting transcript is predicted to undergo nonsense-mediated decay (NMD). Haploinsufficiency is an established disease mechanism (ClinGen). The variant has not been previously reported in the literature in individuals affected with NRXN1-related conditions, and is absent from the Genome Aggregation Database (v.4.1.1), indicating it is not a common polymorphism. Based on the above information, the NRXN1 variant is considered to be pathogenic